The following is an entry in ClinVar:

ClinVar aggregate classification (germline): Conflicting classifications of pathogenicity. Review status: criteria provided, conflicting classifications (1 of 4 stars). 4 submissions from 4 submitters: Uncertain significance (1); Likely benign (2). 1 of the submissions does not count toward it. Last evaluated 2026-01-14.

Conditions:
Rubinstein-Taybi syndrome (RSTS). Identifiers: Orphanet 783, MedGen C0035934, MONDO:0019188.
CREBBP-related disorder. Also called: CREBBP-related condition; CREBBP-related disorders.

Allele frequency attached by ClinVar (database versions not stated): gnomAD exomes 0.00005 and 0.00007; TOPMed 0.00005; ExAC 0.00007; gnomAD 0.00007 and 0.00008; ESP Exome Variant Server 0.00015; 1000 Genomes Project 30x 0.00016; 1000 Genomes Project 0.00020.
gnomAD v4.1: 83 of 1,609,196 alleles (0.0052%); highest among the groups gnomAD compares: Middle Eastern, 0.083%; no homozygotes.

Submissions (4):

Labcorp Genetics (formerly Invitae), Labcorp
Classification: Likely benign for Rubinstein-Taybi syndrome. Last evaluated: 2026-01-14. Review status: criteria provided, single submitter. Criteria: Invitae Variant Classification Sherloc (09022015). Collection method: clinical testing. Allele origin: germline.

Blueprint Genetics
Classification: Likely benign. Last evaluated: 2024-06-13. Review status: criteria provided, single submitter. Criteria: ACMG Guidelines, 2015. Collection method: clinical testing. Allele origin: germline.

Eurofins Ntd Llc (ga)
Classification: Uncertain significance. Last evaluated: 2017-02-20. Review status: criteria provided, single submitter. Criteria: EGL Classification Definitions 2015. Collection method: clinical testing. Allele origin: germline. Observed: 2 variant alleles, 2 heterozygotes.

PreventionGenetics, part of Exact Sciences
Classification: Likely benign for CREBBP-related condition. Last evaluated: 2021-12-08. Review status: no assertion criteria provided. Collection method: clinical testing. Allele origin: germline. Not counted in ClinVar's aggregate classification.
Comment: This variant is classified as likely benign based on ACMG/AMP sequence variant interpretation guidelines (Richards et al. 2015 PMID: 25741868, with internal and published modifications).

NM_004380.3(CREBBP):c.3982+10G>A

Gene: CREBBP (CREB binding lysine acetyltransferase; minus strand). Cytogenetic location: 16p13.3.
Variant type: single nucleotide variant.
Coding change: c.3982+10G>A on transcript NM_004380.3 (MANE Select); 10 bases into the intron after coding-DNA position 3982, G replaced by A.
Molecular consequence: intron variant.
Genome position (GRCh38, 1-based): chr16:3,744,884, C>T on the plus strand (G>A on the coding strand, the complement: CREBBP is on the minus strand). VCF-style: chr16-3744884-C-T. GRCh37 (hg19) VCF-style: chr16-3794885-C-T.
Other names: c.3868+10G>A (NM_001079846.1); c.3982+10G>A (NM_004380.2).
Identifiers: ClinVar variation 500372 (VCV000500372.12), dbSNP rs370093745, ClinGen allele CA7869651.
Genomic context (GRCh38, chr16:3,744,884, plus strand): 5'-ACAATGGGGACAATTTCTACAAGTTTCTAAAATGTGCAGTCCAGGAAACAGAAAGCTTCC[C>T]GAAACTTACTCTTAGCACTGAATTTGTTTTCTTTTCGAGGTCTGCCAGTTTTCTTCAAGC-3'